The following is an entry in ClinVar:

ClinVar aggregate classification (germline): Conflicting classifications of pathogenicity. Review status: criteria provided, conflicting classifications (1 of 4 stars). 5 submissions from 4 submitters: Uncertain significance (3); Likely benign (2). Last evaluated 2025-11-18.

Conditions:
Hereditary cancer-predisposing syndrome. Also called: Tumor predisposition; Hereditary neoplastic syndrome; Hereditary Cancer Syndrome; Neoplastic Syndromes, Hereditary. Identifiers: Orphanet 140162, MedGen C0027672, MeSH D009386, MONDO:0015356.
Rhabdoid tumor predisposition syndrome 1 (RTPS1). Also called: Familial Posterior Fossa Brain Tumor of Infancy. Identifiers: Orphanet 231108, Orphanet 69077, MedGen C1836327, MONDO:0012252, OMIM 609322.
SMARCB1-related schwannomatosis. Also called: Schwannomatosis 1; SWNTS1. Identifiers: Orphanet 93921, MedGen C4048809, MONDO:0024517, OMIM 162091. Disease mechanism: loss of function.

gnomAD v4.1: 2 of 1,614,140 alleles (0.00012%); highest among the groups gnomAD compares: Non-Finnish European, 0.00017%; no homozygotes.

Submissions (5):

Labcorp Genetics (formerly Invitae), Labcorp
Classification: Likely benign. Last evaluated: 2025-11-18. Review status: criteria provided, single submitter. Criteria: Invitae Variant Classification Sherloc (09022015). Collection method: clinical testing. Allele origin: germline.

Sema4
Classification: Uncertain significance for Hereditary cancer-predisposing syndrome. Last evaluated: 2021-04-14. Review status: criteria provided, single submitter. Criteria: Sema4 Curation Guidelines. Collection method: curation. Allele origin: germline.
Comment: The SMARCB1 c.987-4G>C variant has not been reported in the literature to our knowledge. It was not observed in the large and broad cohorts of the Genome Aggregation Database. The variant has been reported in ClinVar (Variation ID: 340915). In silico tools suggest the impact of the variant on protein splicing is benign, though these predictions have not been confirmed by functional studies. There is no indication that this variant causes disease, but the evidence is insufficient currently to prove that conclusively. Thus, the clinical significance of this variant is currently uncertain.

Ambry Genetics
Classification: Likely benign for Hereditary cancer-predisposing syndrome. Last evaluated: 2020-01-30. Review status: criteria provided, single submitter. Criteria: Ambry Variant Classification Scheme 2023. Collection method: clinical testing. Allele origin: germline.

Illumina Laboratory Services, Illumina
Classification: Uncertain significance for Rhabdoid tumor predisposition syndrome 1. Last evaluated: 2018-01-13. Review status: criteria provided, single submitter. Criteria: ICSL Variant Classification Criteria 13 December 2019. Collection method: clinical testing. Allele origin: germline.

Illumina Laboratory Services, Illumina
Classification: Uncertain significance for SMARCB1-related schwannomatosis. Last evaluated: 2018-01-13. Review status: criteria provided, single submitter. Criteria: ICSL Variant Classification Criteria 13 December 2019. Collection method: clinical testing. Allele origin: germline.

NM_003073.5(SMARCB1):c.987-4G>C

Gene: SMARCB1 (SWI/SNF related BAF chromatin remodeling complex subunit B1; plus strand). Cytogenetic location: 22q11.23.
Variant type: single nucleotide variant.
Coding change: c.987-4G>C on transcript NM_003073.5 (MANE Select); 4 bases into the intron before coding-DNA position 987, G replaced by C.
Molecular consequence: intron variant.
Genome position (GRCh38, 1-based): chr22:23,833,568, G>C. VCF-style: chr22-23833568-G-C. GRCh37 (hg19) VCF-style: chr22-24175755-G-C.
Other names: c.987-4G>C (LRG_520t1); c.1041-4G>C (NM_001362877.2); c.1014-4G>C (NM_001317946.2); c.960-4G>C (NM_001007468.3).
Identifiers: ClinVar variation 340915 (VCV000340915.16), dbSNP rs745773662, ClinGen allele CA10650931.